The following is an entry in ClinVar:

ClinVar aggregate classification (germline): Benign/Likely benign. Review status: criteria provided, multiple submitters, no conflicts (2 of 4 stars). 3 submissions from 3 submitters: Benign (2); Likely benign (1). Last evaluated 2026-06-01.

Allele frequency attached by ClinVar (database versions not stated): ExAC 0.00114; ESP Exome Variant Server 0.00008; gnomAD exomes 0.00105 and 0.00048; 1000 Genomes Project 30x 0.00156; gnomAD 0.00002 and 0.00023; TOPMed 0.00005; 1000 Genomes Project 0.00180.
gnomAD v4.1: 730 of 1,614,182 alleles (0.045%); highest among the groups gnomAD compares: South Asian, 0.71%; 9 homozygotes.

Submissions (3):

CeGaT Center for Human Genetics Tuebingen
Classification: Likely benign. Last evaluated: 2026-06-01. Review status: criteria provided, single submitter. Criteria: CeGaT Center For Human Genetics Tuebingen Variant Classification Criteria Version 2. Collection method: clinical testing. Allele origin: germline. Affected: yes. Observed: 3 variant alleles.
Comment: SIAH1: BP4, BP7

Labcorp Genetics (formerly Invitae), Labcorp
Classification: Benign. Last evaluated: 2018-08-11. Review status: criteria provided, single submitter. Criteria: Invitae Variant Classification Sherloc (09022015). Collection method: clinical testing. Allele origin: germline.

Breakthrough Genomics
Classification: Benign. Review status: criteria provided, single submitter. Criteria: ACMG Guidelines, 2015. Collection method: not provided. Allele origin: germline. Inheritance: Autosomal dominant inheritance. Affected: yes.

NM_003031.4(SIAH1):c.564C>T (p.His188=)

Genes: LONP2 (lon peptidase 2, peroxisomal; plus strand), SIAH1 (siah E3 ubiquitin protein ligase 1; minus strand). Cytogenetic location: 16q12.1.
Variant type: single nucleotide variant.
Coding change: c.564C>T on transcript NM_003031.4 (MANE Select); coding-DNA position 564, C replaced by T.
Protein change: p.His188=; no amino-acid change (histidine 188 retained).
Molecular consequence: synonymous variant. On other transcripts: 3 prime UTR variant (1).
Genome position (GRCh38, 1-based): chr16:48,361,865, G>A on the plus strand (C>T on the coding strand, the complement: SIAH1 is on the minus strand). VCF-style: chr16-48361865-G-A. GRCh37 (hg19) VCF-style: chr16-48395776-G-A.
Other names: c.657C>T, p.His219= (NM_001006610.2); c.*269G>A (NM_001348078.2).
Identifiers: ClinVar variation 737239 (VCV000737239.21), dbSNP rs183087746, ClinGen allele CA8045075.